The following is an entry in ClinVar:

ClinVar aggregate classification (germline): Uncertain significance (1 of 4 stars; one submission).

Submission:

GeneDx
Classification: Uncertain significance. Last evaluated: 2026-02-18. Review status: criteria provided, single submitter. Criteria: GeneDx Variant Classification Process June 2021. Collection method: clinical testing. Allele origin: germline.
Comment: Not observed at significant frequency in large population cohorts (gnomAD); In silico analysis supports that this missense variant has a deleterious effect on protein structure/function; Has not been previously published as pathogenic or benign to our knowledge

NM_138927.4(SON):c.6548A>G (p.His2183Arg)

Gene: SON (SON DNA and RNA binding protein; plus strand). Cytogenetic location: 21q22.11.
Variant type: single nucleotide variant.
Coding change: c.6548A>G on transcript NM_138927.4 (MANE Select); coding-DNA position 6548, A replaced by G.
Protein change: p.His2183Arg; replaces histidine 2183 with arginine.
Molecular consequence: missense variant. On other transcripts: non-coding transcript variant (1).
Genome position (GRCh38, 1-based): chr21:33,559,666, A>G. VCF-style: chr21-33559666-A-G. GRCh37 (hg19) VCF-style: chr21-34931972-A-G.
Other names: c.632A>G, p.His211Arg (NM_001291412.3); c.6548A>G, p.His2183Arg (NM_032195.3); short protein forms H211R, H2183R.
Identifiers: ClinVar variation 5009713 (VCV005009713.1).